The following is an entry in ClinVar:

NM_000051.4(ATM):c.2566_2569dup (p.Leu857fs)

Gene: ATM (ATM serine/threonine kinase; plus strand). Cytogenetic location: 11q22.3.
Variant type: Duplication.
Coding change: c.2566_2569dup on transcript NM_000051.4 (MANE Select); coding-DNA positions 2566 to 2569, 4 bases duplicated (AATC; older notation c.2566_2569dupAATC).
Protein change: p.Leu857fs; shifts the reading frame from leucine 857.
Molecular consequence: frameshift variant.
Genome position (GRCh38, 1-based): chr11:108,267,270-108,267,273, AATC duplicated. VCF-style (leftmost placement, unchanged base first): chr11-108267269-G-GAATC. GRCh37 (hg19) VCF-style: chr11-108137996-G-GAATC.
Other names: c.2566_2569dup, p.Leu857fs (NM_001351834.2); short protein forms L857fs.
Identifiers: ClinVar variation 1458096 (VCV001458096.8), dbSNP rs2135507893, ClinGen allele CA2573146422.
Genomic context (GRCh38, chr11:108,267,269, plus strand): 5'-AGAATCAATGGAAGATGATACTAATGGAAATCTAATGGAGGTGGAGGATCAGTCATCCAT[G>GAATC]AATCTATTTAACGATTACCCTGATAGTAGTGTTAGTGATGCAAACGAACCTGGAGAGAGC-3'

ClinVar aggregate classification (germline): Pathogenic. Review status: criteria provided, multiple submitters, no conflicts (2 of 4 stars). 2 submissions from 2 submitters: Pathogenic (2). Last evaluated 2021-11-29.

Conditions:
Hereditary cancer-predisposing syndrome. Also called: Hereditary Cancer Syndrome; Hereditary neoplastic syndrome; Tumor predisposition; Neoplastic Syndromes, Hereditary. Identifiers: Orphanet 140162, MedGen C0027672, MeSH D009386, MONDO:0015356.
Ataxia-telangiectasia syndrome (AT). Also called: Ataxia-telangiectasia, complementation group E; LOUIS-BAR SYNDROME; Ataxia-telangiectasia, complementation group D; AT, COMPLEMENTATION GROUP C; Ataxia-telangiectasia; Cerebello-oculocutaneous telangiectasia. Identifiers: Orphanet 100, MedGen C0004135, MONDO:0008840, OMIM 208900.

Submissions (2):

Ambry Genetics
Classification: Pathogenic for Hereditary cancer-predisposing syndrome. Last evaluated: 2021-11-29. Review status: criteria provided, single submitter. Criteria: Ambry Variant Classification Scheme 2023. Collection method: clinical testing. Allele origin: germline.
Comment: The c.2566_2569dupAATC pathogenic mutation, located in coding exon 16 of the ATM gene, results from a duplication of AATC at nucleotide position 2566, causing a translational frameshift with a predicted alternate stop codon (p.L857Qfs*4). This variant is considered to be rare based on population cohorts in the Genome Aggregation Database (gnomAD). This alteration is expected to result in loss of function by premature protein truncation or nonsense-mediated mRNA decay. As such, this alteration is interpreted as a disease-causing mutation.

Labcorp Genetics (formerly Invitae), Labcorp
Classification: Pathogenic for Ataxia-telangiectasia syndrome. Last evaluated: 2021-08-17. Review status: criteria provided, single submitter. Criteria: Invitae Variant Classification Sherloc (09022015). Collection method: clinical testing. Allele origin: germline.
Comment: This variant has not been reported in the literature in individuals with ATM-related conditions. For these reasons, this variant has been classified as Pathogenic. This variant is not present in population databases (ExAC no frequency). This sequence change creates a premature translational stop signal (p.Leu857Glnfs*4) in the ATM gene. It is expected to result in an absent or disrupted protein product. Loss-of-function variants in ATM are known to be pathogenic (PMID: 23807571, 25614872).

Literature cited by the submitters: PubMed 23807571 (cited by Labcorp Genetics (formerly Invitae), Labcorp); PubMed 25614872 (cited by Labcorp Genetics (formerly Invitae), Labcorp).